The following is an entry in ClinVar:

ClinVar aggregate classification (germline): Uncertain significance (1 of 4 stars; one submission).

Submission:

GeneDx
Classification: Uncertain significance. Last evaluated: 2023-05-23. Review status: criteria provided, single submitter. Criteria: GeneDx Variant Classification Process June 2021. Collection method: clinical testing. Allele origin: germline. Affected: yes.
Comment: Not observed at significant frequency in large population cohorts (gnomAD); In silico analysis supports that this missense variant does not alter protein structure/function; Has not been previously published as pathogenic or benign to our knowledge

NM_012310.5(KIF4A):c.1917G>C (p.Glu639Asp)

Gene: KIF4A (kinesin family member 4A; plus strand). Cytogenetic location: Xq13.1.
Variant type: single nucleotide variant.
Coding change: c.1917G>C on transcript NM_012310.5 (MANE Select); coding-DNA position 1917, G replaced by C.
Protein change: p.Glu639Asp; replaces glutamic acid 639 with aspartic acid.
Molecular consequence: missense variant.
Genome position (GRCh38, 1-based): chrX:70,375,342, G>C. VCF-style: chrX-70375342-G-C. GRCh37 (hg19) VCF-style: chrX-69595192-G-C.
Other names: short protein forms E639D.
Identifiers: ClinVar variation 3343834 (VCV003343834.1).